The following is an entry in ClinVar:

ClinVar aggregate classification (germline): Uncertain significance (1 of 4 stars; one submission).

Conditions:
Idiopathic generalized epilepsy. Also called: EIG; Generalised epilepsy. Identifiers: MedGen C0270850, MONDO:0005579, OMIM 600669.
Hyperaldosteronism, familial, type IV (HALD4). Also called: FH IV; ALDOSTERONISM, PRIMARY, AND HYPERTENSION. Identifiers: Orphanet 642671, MedGen C4310756, MONDO:0014875, OMIM 617027.

gnomAD v4.1: 5 of 1,609,320 alleles (0.00031%); highest among the groups gnomAD compares: African/African-American, 0.0027%; no homozygotes.

Submission:

Labcorp Genetics (formerly Invitae), Labcorp
Classification: Uncertain significance for Idiopathic generalized epilepsy; Hyperaldosteronism, familial, type IV. Last evaluated: 2025-08-17. Review status: criteria provided, single submitter. Criteria: Invitae Variant Classification Sherloc (09022015). Collection method: clinical testing. Allele origin: germline.
Comment: This sequence change replaces leucine, which is neutral and non-polar, with valine, which is neutral and non-polar, at codon 1619 of the CACNA1H protein (p.Leu1619Val). This variant is not present in population databases (gnomAD no frequency). This variant has not been reported in the literature in individuals affected with CACNA1H-related conditions. Invitae Evidence Modeling of protein sequence and biophysical properties (such as structural, functional, and spatial information, amino acid conservation, physicochemical variation, residue mobility, and thermodynamic stability) indicates that this missense variant is expected to disrupt CACNA1H protein function with a positive predictive value of 80%. In summary, the available evidence is currently insufficient to determine the role of this variant in disease. Therefore, it has been classified as a Variant of Uncertain Significance.

NM_021098.3(CACNA1H):c.4855C>G (p.Leu1619Val)

Gene: CACNA1H (calcium voltage-gated channel subunit alpha1 H; plus strand). Cytogenetic location: 16p13.3.
Variant type: single nucleotide variant.
Coding change: c.4855C>G on transcript NM_021098.3 (MANE Select); coding-DNA position 4855, C replaced by G.
Protein change: p.Leu1619Val; replaces leucine 1619 with valine.
Molecular consequence: missense variant.
Genome position (GRCh38, 1-based): chr16:1,213,857, C>G. VCF-style: chr16-1213857-C-G. GRCh37 (hg19) VCF-style: chr16-1263857-C-G.
Other names: c.4837C>G, p.Leu1613Val (NM_001005407.2); short protein forms L1619V, L1613V.
Identifiers: ClinVar variation 4783342 (VCV004783342.1).